The following is an entry in ClinVar:

NM_201378.4(PLEC):c.71-11684C>T

Gene: PLEC (plectin; minus strand). Cytogenetic location: 8q24.3.
Variant type: single nucleotide variant.
Coding change: c.71-11684C>T on transcript NM_201378.4 (MANE Plus Clinical); 11684 bases into the intron before coding-DNA position 71, C replaced by T.
Molecular consequence: intron variant. On other transcripts: missense variant (1).
Genome position (GRCh38, 1-based): chr8:143,950,376, G>A on the plus strand (C>T on the coding strand, the complement: PLEC is on the minus strand). VCF-style: chr8-143950376-G-A. GRCh37 (hg19) VCF-style: chr8-145024544-G-A.
Other names: c.331C>T, p.Arg111Cys (NM_201380.4); c.194-11684C>T (NM_001410941.1, NM_000445.5); c.46+3350C>T (NM_201379.3); short protein forms R111C.
Identifiers: ClinVar variation 4902042 (VCV004902042.2).

ClinVar aggregate classification (germline): Conflicting classifications of pathogenicity. Review status: criteria provided, conflicting classifications (1 of 4 stars). 2 submissions from 2 submitters: Uncertain significance (1); Likely benign (1). Last evaluated 2026-02-02.

Conditions:
PLEC-related disorder. Also called: PLEC-related condition; PLEC-related disorders.

gnomAD v4.1: 37 of 1,596,308 alleles (0.0023%); highest among the groups gnomAD compares: South Asian, 0.022%; no homozygotes.

Submissions (2):

PreventionGenetics, part of Exact Sciences
Classification: Uncertain significance for PLEC-related condition. Last evaluated: 2026-02-02. Review status: criteria provided, single submitter. Criteria: ACMG Guidelines, 2015. Collection method: clinical testing. Allele origin: germline.
Comment: The PLEC c.331C>T variant is predicted to result in the amino acid substitution p.Arg111Cys. To our knowledge, this variant has not been reported in the literature. This variant is reported in 0.015% of alleles in individuals of South Asian descent in gnomAD. At this time, the clinical significance of this variant is uncertain due to the absence of conclusive functional and genetic evidence.

Blueprint Genetics
Classification: Likely benign. Last evaluated: 2019-08-16. Review status: criteria provided, single submitter. Criteria: ACMG Guidelines, 2015. Collection method: clinical testing. Allele origin: germline.